The following is an entry in ClinVar:

ClinVar aggregate classification (germline): Conflicting classifications of pathogenicity. Review status: criteria provided, conflicting classifications (1 of 4 stars). 2 submissions from 2 submitters: Uncertain significance (1); Likely benign (1). Last evaluated 2025-05-23.

Conditions:
Carney complex, type 1 (CNC1). Also called: CARNEY MYXOMA-ENDOCRINE COMPLEX; CARNEY COMPLEX, TYPE I. Identifiers: Orphanet 1359, MedGen C2607929, MONDO:0008057, OMIM 160980.
Hereditary cancer-predisposing syndrome. Also called: Tumor predisposition; Hereditary Cancer Syndrome; Hereditary neoplastic syndrome; Neoplastic Syndromes, Hereditary. Identifiers: Orphanet 140162, MedGen C0027672, MeSH D009386, MONDO:0015356.

Allele frequency attached by ClinVar (database versions not stated): gnomAD exomes below 0.00001.
gnomAD v4.1: 2 of 1,613,926 alleles (0.00012%); highest among the groups gnomAD compares: Admixed American, 0.0017%; no homozygotes.

Submissions (2):

Ambry Genetics
Classification: Uncertain significance for Hereditary cancer-predisposing syndrome. Last evaluated: 2025-05-23. Review status: criteria provided, single submitter. Criteria: Ambry Variant Classification Scheme 2023. Collection method: clinical testing. Allele origin: germline.
Comment: The c.892-5T>C intronic variant results from a T to C substitution 5 nucleotides upstream from coding exon 9 in the PRKAR1A gene. This nucleotide position is not well conserved in available vertebrate species. In silico splice site analysis predicts that this alteration will not have any significant effect on splicing. Based on the available evidence, the clinical significance of this variant remains unclear.

Labcorp Genetics (formerly Invitae), Labcorp
Classification: Likely benign for Carney complex, type 1. Last evaluated: 2025-02-19. Review status: criteria provided, single submitter. Criteria: Invitae Variant Classification Sherloc (09022015). Collection method: clinical testing. Allele origin: germline.

NM_002734.5(PRKAR1A):c.892-5T>C

Gene: PRKAR1A (protein kinase cAMP-dependent type I regulatory subunit alpha; plus strand). Cytogenetic location: 17q24.2.
Variant type: single nucleotide variant.
Coding change: c.892-5T>C on transcript NM_002734.5 (MANE Select); 5 bases into the intron before coding-DNA position 892, T replaced by C.
Molecular consequence: intron variant.
Genome position (GRCh38, 1-based): chr17:68,529,915, T>C. VCF-style: chr17-68529915-T-C. GRCh37 (hg19) VCF-style: chr17-66526056-T-C.
Other names: c.892-5T>C (NM_001278433.2, NM_001369389.1, NM_212471.3 and 5 more transcripts).
Identifiers: ClinVar variation 536902 (VCV000536902.11), dbSNP rs1181021204, ClinGen allele CA627205875.